The following is an entry in ClinVar:

NM_005475.3(SH2B3):c.42G>A (p.Ala14=)

Gene: SH2B3 (SH2B adaptor protein 3; plus strand). Cytogenetic location: 12q24.12.
Variant type: single nucleotide variant.
Coding change: c.42G>A on transcript NM_005475.3 (MANE Select); coding-DNA position 42, G replaced by A.
Protein change: p.Ala14=; no amino-acid change (alanine 14 retained).
Molecular consequence: synonymous variant.
Genome position (GRCh38, 1-based): chr12:111,418,187, G>A. VCF-style: chr12-111418187-G-A. GRCh37 (hg19) VCF-style: chr12-111855991-G-A.
Identifiers: ClinVar variation 3953377 (VCV003953377.7).

ClinVar aggregate classification (germline): Likely benign. Review status: criteria provided, multiple submitters, no conflicts (2 of 4 stars). 2 submissions from 2 submitters: Likely benign (2). Last evaluated 2025-11-01.

Conditions:
Inborn genetic diseases. Identifiers: MedGen C0950123, MeSH D030342.

gnomAD v4.1: 4 of 1,565,410 alleles (0.00026%); highest among the groups gnomAD compares: Admixed American, 0.0018%; no homozygotes.

Submissions (2):

CeGaT Center for Human Genetics Tuebingen
Classification: Likely benign. Last evaluated: 2025-11-01. Review status: criteria provided, single submitter. Criteria: CeGaT Center For Human Genetics Tuebingen Variant Classification Criteria Version 2. Collection method: clinical testing. Allele origin: germline. Affected: yes. Observed: 1 variant allele.
Comment: SH2B3: BP4, BP7

Ambry Genetics
Classification: Likely benign for Inborn genetic diseases. Last evaluated: 2025-03-22. Review status: criteria provided, single submitter. Criteria: Ambry Variant Classification Scheme 2023. Collection method: clinical testing. Allele origin: germline.